The following is an entry in ClinVar:

NM_020937.4(FANCM):c.5851G>C (p.Val1951Leu)

Gene: FANCM (FA complementation group M; plus strand). Cytogenetic location: 14q21.2.
Variant type: single nucleotide variant.
Coding change: c.5851G>C on transcript NM_020937.4 (MANE Select); coding-DNA position 5851, G replaced by C.
Protein change: p.Val1951Leu; replaces valine 1951 with leucine.
Molecular consequence: missense variant.
Genome position (GRCh38, 1-based): chr14:45,198,778, G>C. VCF-style: chr14-45198778-G-C. GRCh37 (hg19) VCF-style: chr14-45667981-G-C.
Other names: c.5773G>C, p.Val1925Leu (NM_001308133.2); short protein forms V1925L, V1951L.
Identifiers: ClinVar variation 3848542 (VCV003848542.1).

ClinVar aggregate classification (germline): Uncertain significance (1 of 4 stars; one submission).

Conditions:
Inborn genetic diseases. Identifiers: MedGen C0950123, MeSH D030342.

Submission:

Ambry Genetics
Classification: Uncertain significance for Inborn genetic diseases. Last evaluated: 2024-12-23. Review status: criteria provided, single submitter. Criteria: Ambry Variant Classification Scheme 2023. Collection method: clinical testing. Allele origin: germline.
Comment: The p.V1951L variant (also known as c.5851G>C), located in coding exon 22 of the FANCM gene, results from a G to C substitution at nucleotide position 5851. The valine at codon 1951 is replaced by leucine, an amino acid with highly similar properties. This amino acid position is conserved. In addition, this alteration is predicted to be tolerated by in silico analysis. Based on the available evidence, the clinical significance of this variant remains unclear.